The following is an entry in ClinVar:

ClinVar aggregate classification (germline): Benign (1 of 4 stars; one submission).

Conditions:
Deafness-lymphedema-leukemia syndrome. Also called: Lymphedema, primary, with myelodysplasia; Emberger syndrome. Identifiers: Orphanet 3226, MedGen C3279664, MONDO:0013540, OMIM 614038.

Allele frequency attached by ClinVar (database versions not stated): gnomAD 0.05405 and 0.05352; TOPMed 0.05682; 1000 Genomes Project 0.05371; 1000 Genomes Project 30x 0.05543; gnomAD exomes 0.04602.
gnomAD v4.1: 11,970 of 233,262 alleles (5.1%); highest among the groups gnomAD compares: Admixed American, 8.5%; 382 homozygotes.

Submission:

Illumina Laboratory Services, Illumina
Classification: Benign for Deafness-lymphedema-leukemia syndrome. Last evaluated: 2018-01-13. Review status: criteria provided, single submitter. Criteria: ICSL Variant Classification Criteria 13 December 2019. Collection method: clinical testing. Allele origin: germline.
Comment: This variant was observed in the ICSL laboratory as part of a predisposition screen in an ostensibly healthy population. It had not been previously curated by ICSL or reported in the Human Gene Mutation Database (HGMD: prior to June 1st, 2018), and was therefore a candidate for classification through an automated scoring system. Utilizing variant allele frequency, disease prevalence and penetrance estimates, and inheritance mode, an automated score was calculated to assess if this variant is too frequent to cause the disease. Based on the score and internal cut-off values, a variant classified as benign is not then subjected to further curation. The score for this variant resulted in a classification of benign for this disease.

NM_032638.5(GATA2):c.*882T>A

Gene: GATA2 (GATA binding protein 2; minus strand). Cytogenetic location: 3q21.3.
Variant type: single nucleotide variant.
Coding change: c.*882T>A on transcript NM_032638.5 (MANE Select); 882 bases downstream of the stop codon, T replaced by A.
Molecular consequence: 3 prime UTR variant.
Genome position (GRCh38, 1-based): chr3:128,480,137, A>T on the plus strand (T>A on the coding strand, the complement: GATA2 is on the minus strand). VCF-style: chr3-128480137-A-T. GRCh37 (hg19) VCF-style: chr3-128198980-A-T.
Other names: c.*882T>A (NM_001145661.2, NM_001145662.1).
Identifiers: ClinVar variation 343116 (VCV000343116.5), dbSNP rs45463895, ClinGen allele CA10617208.
Genomic context (GRCh38, chr3:128,480,137, plus strand): 5'-CCTGTGGCTACGTACAATCAACTGGACCCAAAAAGAGTTTAAAAATAAAACAATTAACTC[A>T]TCAGCGAGTTAAGCCTATGCATTTTTTTAATATTTTTTCTTTTGTCTCAGAGTAGGAGGC-3'